The following is an entry in ClinVar:

NM_000152.5(GAA):c.-32-5C>G

Gene: GAA (alpha glucosidase; plus strand). Cytogenetic location: 17q25.3.
Variant type: single nucleotide variant.
Coding change: c.-32-5C>G on transcript NM_000152.5 (MANE Select); 5 bases into the intron before 32 bases upstream of the start codon, C replaced by G.
Molecular consequence: intron variant.
Genome position (GRCh38, 1-based): chr17:80,104,550, C>G. VCF-style: chr17-80104550-C-G. GRCh37 (hg19) VCF-style: chr17-78078349-C-G.
Other names: c.-32-5C>G (NM_001079803.3, NM_001079804.3).
Identifiers: ClinVar variation 1312131 (VCV001312131.2), dbSNP rs775682001, ClinGen allele CA986720590.

ClinVar aggregate classification (germline): Uncertain significance (1 of 4 stars; one submission).

Submission:

GeneDx
Classification: Uncertain significance. Last evaluated: 2019-09-09. Review status: criteria provided, single submitter. Criteria: GeneDx Variant Classification Process June 2021. Collection method: clinical testing. Allele origin: germline. Affected: yes.
Comment: Has not been previously published as pathogenic or benign to our knowledge; Not observed in large population cohorts (Lek et al., 2016); In-silico analysis, which includes splice predictors and evolutionary conservation, is inconclusive as to whether the variant alters gene splicing; in the absence of RNA/functional studies, the actual effect of this sequence change is unknown